The following is an entry in ClinVar:

NM_000352.6(ABCC8):c.2041-1G>A

Gene: ABCC8 (ATP binding cassette subfamily C member 8; minus strand). Cytogenetic location: 11p15.1.
Variant type: single nucleotide variant.
Coding change: c.2041-1G>A on transcript NM_000352.6 (MANE Select); the canonical splice acceptor site of the intron before coding-DNA position 2041, G replaced by A.
Molecular consequence: splice acceptor variant.
Genome position (GRCh38, 1-based): chr11:17,427,943, C>T on the plus strand (G>A on the coding strand, the complement: ABCC8 is on the minus strand). VCF-style: chr11-17427943-C-T. GRCh37 (hg19) VCF-style: chr11-17449490-C-T.
Other names: c.2038-1G>A (NM_001351297.2, NM_001351296.2); c.2107-1G>A (NM_001351295.2); c.2041-1G>A (NM_001287174.3).
Identifiers: ClinVar variation 552164 (VCV000552164.3), dbSNP rs1554924630, ClinGen allele CA379814989.

ClinVar aggregate classification (germline): Uncertain significance. Review status: criteria provided, single submitter (1 of 4 stars). 3 submissions from 2 submitters: Uncertain significance (2). 1 of the submissions does not count toward it.

Conditions:
Transitory neonatal diabetes mellitus. Also called: Transient neonatal diabetes mellitus. Identifiers: MedGen C0342273, MONDO:0020525, HP:0008255.
Maturity-onset diabetes of the young (MODY). Also called: Maturity onset diabetes mellitus in young. Identifiers: Orphanet 552, MedGen C0342276, MONDO:0018911, HP:0004904.
Hyperinsulinemic hypoglycemia, familial, 1 (HHF1). Also called: Persistent hyperinsulinemic hypoglycemia of infancy; HYPERINSULINISM, FAMILIAL, WITH PANCREATIC NESIDIOBLASTOSIS; HYPOGLYCEMIA, HYPERINSULINEMIC, OF INFANCY; NESIDIOBLASTOSIS OF PANCREAS; Persistent Hyperinsulinemia Hypoglycemia of Infancy. Identifiers: Orphanet 276575, Orphanet 276598, MedGen C2931832, MONDO:0009734, OMIM 256450.

Submissions (3):

Clinical Genomics, Uppaluri K&H Personalized Medicine Clinic
Classification: Uncertain significance for Transitory neonatal diabetes mellitus. Review status: criteria provided, single submitter. Criteria: K & H Uppaluri Personalized Medicine Clinic Variant Classification & Assertion Criteria_Updated V.1. Collection method: research. Allele origin: unknown. Inheritance: Somatic mutation.
Comment: Mutations in ABCC8 gene are associated with both neonatal diabetes mellitus as well as MODY. Patients with this mutation may have a better response to sulfonylureas. However, no sufficient evidence is found to ascertain the role of this particular variant (rs1554924630) in neonatal diabetes yet.

Clinical Genomics, Uppaluri K&H Personalized Medicine Clinic
Classification: Uncertain significance for Maturity-onset diabetes of the young. Review status: criteria provided, single submitter. Criteria: K & H Uppaluri Personalized Medicine Clinic Variant Classification & Assertion Criteria_Updated V.1. Collection method: research. Allele origin: unknown. Inheritance: Somatic mutation.
Comment: Mutations in ABCC8 gene are associated with both neonatal diabetes mellitus as well as MODY. Patients with this mutation may have a better response to sulfonylureas. However, no sufficient evidence is found to ascertain the role of this particular variant (rs1554924630) in MODY yet.

Counsyl
Classification: Likely pathogenic for Hyperinsulinemic hypoglycemia, familial, 1. Last evaluated: 2017-05-24. Review status: no assertion criteria provided. Collection method: clinical testing. Allele origin: unknown. Not counted in ClinVar's aggregate classification.

Literature cited by the submitters: PubMed 16885549 (cited by Clinical Genomics, Uppaluri K&H Personalized Medicine Clinic); PubMed 27538677 (cited by Clinical Genomics, Uppaluri K&H Personalized Medicine Clinic); PubMed 21989597 (cited by Clinical Genomics, Uppaluri K&H Personalized Medicine Clinic); PubMed 18981553 (cited by Clinical Genomics, Uppaluri K&H Personalized Medicine Clinic); PubMed 16613899 (cited by Clinical Genomics, Uppaluri K&H Personalized Medicine Clinic); PubMed 32027066 (cited by Clinical Genomics, Uppaluri K&H Personalized Medicine Clinic); PubMed 18025408 (cited by Clinical Genomics, Uppaluri K&H Personalized Medicine Clinic); PubMed 32792356 (cited by Clinical Genomics, Uppaluri K&H Personalized Medicine Clinic).